The following is an entry in ClinVar:

NM_001042432.2(CLN3):c.678-313G>A

Gene: CLN3 (CLN3 lysosomal/endosomal transmembrane protein, battenin; minus strand). Cytogenetic location: 16p12.1.
Variant type: single nucleotide variant.
Coding change: c.678-313G>A on transcript NM_001042432.2 (MANE Select); 313 bases into the intron before coding-DNA position 678, G replaced by A.
Molecular consequence: intron variant.
Genome position (GRCh38, 1-based): chr16:28,484,431, C>T on the plus strand (G>A on the coding strand, the complement: CLN3 is on the minus strand). VCF-style: chr16-28484431-C-T. GRCh37 (hg19) VCF-style: chr16-28495752-C-T.
Other names: c.444-313G>A (NM_001286109.2); c.606-313G>A (NM_001286104.2); c.378-313G>A (NM_001286105.2); c.516-313G>A (NM_001286110.2); c.678-313G>A (NM_000086.2).
Identifiers: ClinVar variation 668788 (VCV000668788.1), dbSNP rs151182, ClinGen allele CA14217564.

ClinVar aggregate classification (germline): Benign (1 of 4 stars; one submission).

Allele frequency attached by ClinVar (database versions not stated): 1000 Genomes Project 0.22804; 1000 Genomes Project 30x 0.23048; TOPMed 0.30090; gnomAD 0.31504 and 0.31813; gnomAD exomes 0.35420.
gnomAD v4.1: 114,038 of 338,966 alleles (34%); highest among the groups gnomAD compares: Admixed American, 42%; 21,977 homozygotes.

Submission:

GeneDx
Classification: Benign. Last evaluated: 2018-06-18. Review status: criteria provided, single submitter. Criteria: GeneDx Variant Classification (06012015). Collection method: clinical testing. Allele origin: germline. Affected: yes.
Comment: This variant is considered likely benign or benign based on one or more of the following criteria: it is a conservative change, it occurs at a poorly conserved position in the protein, it is predicted to be benign by multiple in silico algorithms, and/or has population frequency not consistent with disease.